The following is an entry in ClinVar:

ClinVar aggregate classification (germline): Uncertain significance (1 of 4 stars; one submission).

Conditions:
Hereditary cancer-predisposing syndrome. Also called: Neoplastic Syndromes, Hereditary; Tumor predisposition; Hereditary neoplastic syndrome; Hereditary Cancer Syndrome. Identifiers: Orphanet 140162, MedGen C0027672, MeSH D009386, MONDO:0015356.

Submission:

Ambry Genetics
Classification: Uncertain significance for Hereditary cancer-predisposing syndrome. Last evaluated: 2023-10-26. Review status: criteria provided, single submitter. Criteria: Ambry Variant Classification Scheme 2023. Collection method: clinical testing. Allele origin: germline.
Comment: The p.V1231E variant (also known as c.3692T>A), located in coding exon 22 of the PTCH1 gene, results from a T to A substitution at nucleotide position 3692. The valine at codon 1231 is replaced by glutamic acid, an amino acid with dissimilar properties. This amino acid position is well conserved in available vertebrate species. In addition, this alteration is predicted to be deleterious by in silico analysis. Since supporting evidence is limited at this time, the clinical significance of this alteration remains unclear.

NM_000264.5(PTCH1):c.3692T>A (p.Val1231Glu)

Gene: PTCH1 (patched 1; minus strand). Cytogenetic location: 9q22.32.
Variant type: single nucleotide variant.
Coding change: c.3692T>A on transcript NM_000264.5 (MANE Select); coding-DNA position 3692, T replaced by A.
Protein change: p.Val1231Glu; replaces valine 1231 with glutamic acid.
Molecular consequence: missense variant. On other transcripts: non-coding transcript variant (1).
Genome position (GRCh38, 1-based): chr9:95,449,181, A>T on the plus strand (T>A on the coding strand, the complement: PTCH1 is on the minus strand). VCF-style: chr9-95449181-A-T. GRCh37 (hg19) VCF-style: chr9-98211463-A-T.
Other names: c.3494T>A, p.Val1165Glu (NM_001083602.3); c.3689T>A, p.Val1230Glu (NM_001083603.3); c.3239T>A, p.Val1080Glu (NM_001083604.3, NM_001083605.3, NM_001083606.3 and 1 more transcripts); c.3536T>A, p.Val1179Glu (NM_001354918.2); short protein forms V1080E, V1165E, V1179E, V1230E, V1231E.
Identifiers: ClinVar variation 3231023 (VCV003231023.1), dbSNP rs182045135, ClinGen allele CA374111131.